The following is an entry in ClinVar:

NM_000660.7(TGFB1):c.883G>A (p.Val295Met)

Gene: TGFB1 (transforming growth factor beta 1; minus strand). Cytogenetic location: 19q13.2.
Variant type: single nucleotide variant.
Coding change: c.883G>A on transcript NM_000660.7 (MANE Select); coding-DNA position 883, G replaced by A.
Protein change: p.Val295Met; replaces valine 295 with methionine.
Molecular consequence: missense variant.
Genome position (GRCh38, 1-based): chr19:41,332,259, C>T on the plus strand (G>A on the coding strand, the complement: TGFB1 is on the minus strand). VCF-style: chr19-41332259-C-T. GRCh37 (hg19) VCF-style: chr19-41838164-C-T.
Other names: short protein forms V295M.
Identifiers: ClinVar variation 2769957 (VCV002769957.3), dbSNP rs2513373179, ClinGen allele CA405998669.

ClinVar aggregate classification (germline): Uncertain significance (1 of 4 stars; one submission).

Submission:

Labcorp Genetics (formerly Invitae), Labcorp
Classification: Uncertain significance. Last evaluated: 2025-02-13. Review status: criteria provided, single submitter. Criteria: Invitae Variant Classification Sherloc (09022015). Collection method: clinical testing. Allele origin: germline.
Comment: This sequence change replaces valine, which is neutral and non-polar, with methionine, which is neutral and non-polar, at codon 295 of the TGFB1 protein (p.Val295Met). This variant is not present in population databases (gnomAD no frequency). This variant has not been reported in the literature in individuals affected with TGFB1-related conditions. ClinVar contains an entry for this variant (Variation ID: 2769957). Invitae Evidence Modeling of protein sequence and biophysical properties (such as structural, functional, and spatial information, amino acid conservation, physicochemical variation, residue mobility, and thermodynamic stability) indicates that this missense variant is not expected to disrupt TGFB1 protein function with a negative predictive value of 80%. In summary, the available evidence is currently insufficient to determine the role of this variant in disease. Therefore, it has been classified as a Variant of Uncertain Significance.